The following is an entry in ClinVar:

ClinVar aggregate classification (germline): Likely pathogenic. Review status: reviewed by expert panel (3 of 4 stars). 2 submissions from 2 submitters: Likely pathogenic (1). 1 of the submissions does not count toward it. Last evaluated 2024-09-06.

Conditions:
Phenylketonuria (PKU). Also called: Phenylketonuria (PKU); FOLLING DISEASE; OLIGOPHRENIA PHENYLPYRUVICA; Phenylketonurias. Identifiers: Orphanet 716, MedGen C0031485, MONDO:0009861, OMIM 261600. Disease mechanism: loss of function.

Submissions (2):

ClinGen PAH Variant Curation Expert Panel
Classification: Likely pathogenic for Phenylketonuria. Last evaluated: 2024-09-06. Review status: reviewed by expert panel. Criteria: ClinGen PAH ACMG Specifications v1. Collection method: curation. Allele origin: germline. Inheritance: Autosomal recessive inheritance.
Comment: The PAH variant c.122T>C (p.Leu41Pro) was found in one patient with mild PKU (serum phenylalanine levels between 600 and 1,200 μmol/liter) (PP4) with the pathogenic variant c.728G>A (p.Arg243Gln) (CinVar ID: 591) (PMID: 10679941), and in a patient with moderate/mild PKU with the pathogenic variant c.838G>A (p.Glu280Lys) (CinVar ID: 580) (PMID: 22841515) PM3 (Points total = 1). This variant is absent in the gnomAD, ExAC, and PAGE population databases (PM2_Supporting). The variant is predicted to be damaging by REVEL (REVEL score 0.868) (PP3_Moderate). In summary, this variant meets the criteria to be classified as likely pathogenic for PAH deficiency. PAH-specific ACMG/AMP criteria applied: PM2_Supporting, PM3, PP3_Moderate, PP4.

DeBelle Laboratory for Biochemical Genetics, MUHC/MCH RESEARCH INSTITUTE
No classification provided. Review status: no classification provided. Collection method: not provided. Allele origin: not provided. Not counted in ClinVar's aggregate classification.

NM_000277.3(PAH):c.122T>C (p.Leu41Pro)

Gene: PAH (phenylalanine hydroxylase; minus strand). Cytogenetic location: 12q23.2.
Variant type: single nucleotide variant.
Coding change: c.122T>C on transcript NM_000277.3 (MANE Select); coding-DNA position 122, T replaced by C.
Protein change: p.Leu41Pro; replaces leucine 41 with proline.
Molecular consequence: missense variant.
Genome position (GRCh38, 1-based): chr12:102,912,837, A>G on the plus strand (T>C on the coding strand, the complement: PAH is on the minus strand). VCF-style: chr12-102912837-A-G. GRCh37 (hg19) VCF-style: chr12-103306615-A-G.
Other names: c.122T>C, p.Leu41Pro (NM_001354304.2); short protein forms L41P.
Identifiers: ClinVar variation 102573 (VCV000102573.3), dbSNP rs62642916, ClinGen allele CA229408.